The following is an entry in ClinVar:

ClinVar aggregate classification (germline): Uncertain significance (1 of 4 stars; one submission).

Allele frequency attached by ClinVar (database versions not stated): gnomAD 0.00001; TOPMed 0.00001; ExAC 0.00002; gnomAD exomes 0.00002.
gnomAD v4.1: 30 of 1,614,108 alleles (0.0019%); highest among the groups gnomAD compares: Middle Eastern, 0.016%; no homozygotes.

Submission:

Labcorp Genetics (formerly Invitae), Labcorp
Classification: Uncertain significance. Last evaluated: 2023-03-17. Review status: criteria provided, single submitter. Criteria: Invitae Variant Classification Sherloc (09022015). Collection method: clinical testing. Allele origin: germline.
Comment: This sequence change replaces threonine, which is neutral and polar, with methionine, which is neutral and non-polar, at codon 3000 of the SRCAP protein (p.Thr3000Met). This variant is present in population databases (rs772858077, gnomAD 0.007%). This variant has not been reported in the literature in individuals affected with SRCAP-related conditions. ClinVar contains an entry for this variant (Variation ID: 1965072). Advanced modeling of protein sequence and biophysical properties (such as structural, functional, and spatial information, amino acid conservation, physicochemical variation, residue mobility, and thermodynamic stability) performed at Invitae indicates that this missense variant is not expected to disrupt SRCAP protein function. In summary, the available evidence is currently insufficient to determine the role of this variant in disease. Therefore, it has been classified as a Variant of Uncertain Significance.

NM_006662.3(SRCAP):c.8999C>T (p.Thr3000Met)

Gene: SRCAP (Snf2 related CREBBP activator protein; plus strand). Cytogenetic location: 16p11.2.
Variant type: single nucleotide variant.
Coding change: c.8999C>T on transcript NM_006662.3 (MANE Select); coding-DNA position 8999, C replaced by T.
Protein change: p.Thr3000Met; replaces threonine 3000 with methionine.
Molecular consequence: missense variant.
Genome position (GRCh38, 1-based): chr16:30,739,039, C>T. VCF-style: chr16-30739039-C-T. GRCh37 (hg19) VCF-style: chr16-30750360-C-T.
Other names: short protein forms T3000M.
Identifiers: ClinVar variation 1965072 (VCV001965072.4), dbSNP rs772858077, ClinGen allele CA8012812.